The following is an entry in ClinVar:

ClinVar aggregate classification (germline): Uncertain significance. Review status: criteria provided, multiple submitters, no conflicts (2 of 4 stars). 2 submissions from 2 submitters: Uncertain significance (2). Last evaluated 2022-01-12.

Conditions:
Charcot-Marie-Tooth disease type 4. Also called: Charcot-Marie-Tooth disease, type IV; Charcot-Marie-Tooth, Type 4. Identifiers: Orphanet 64749, MedGen C4082197, MONDO:0018995.

Allele frequency attached by ClinVar (database versions not stated): gnomAD exomes 0.00001 and 0.00002; TOPMed 0.00001; ExAC 0.00002.
gnomAD v4.1: 31 of 1,614,022 alleles (0.0019%); highest among the groups gnomAD compares: Non-Finnish European, 0.0023%; no homozygotes.

Submissions (2):

Mayo Clinic Laboratories, Mayo Clinic
Classification: Uncertain significance. Last evaluated: 2022-01-12. Review status: criteria provided, single submitter. Criteria: ACMG Guidelines, 2015. Collection method: clinical testing. Allele origin: germline.

Labcorp Genetics (formerly Invitae), Labcorp
Classification: Uncertain significance for Charcot-Marie-Tooth disease type 4. Last evaluated: 2020-10-09. Review status: criteria provided, single submitter. Criteria: Invitae Variant Classification Sherloc (09022015). Collection method: clinical testing. Allele origin: germline.
Comment: This sequence change replaces arginine with glutamine at codon 77 of the SH3TC2 protein (p.Arg77Gln). The arginine residue is highly conserved and there is a small physicochemical difference between arginine and glutamine. This variant is present in population databases (rs756666549, ExAC 0.01%). This variant has not been reported in the literature in individuals with SH3TC2-related conditions. Algorithms developed to predict the effect of missense changes on protein structure and function output the following: SIFT: "Tolerated"; PolyPhen-2: "Possibly Damaging"; Align-GVGD: "Class C0". The glutamine amino acid residue is found in multiple mammalian species, suggesting that this missense change does not adversely affect protein function. These predictions have not been confirmed by published functional studies and their clinical significance is uncertain. In summary, the available evidence is currently insufficient to determine the role of this variant in disease. Therefore, it has been classified as a Variant of Uncertain Significance.

NM_024577.4(SH3TC2):c.230G>A (p.Arg77Gln)

Gene: SH3TC2 (SH3 domain and tetratricopeptide repeats 2; minus strand). Cytogenetic location: 5q32.
Variant type: single nucleotide variant.
Coding change: c.230G>A on transcript NM_024577.4 (MANE Select); coding-DNA position 230, G replaced by A.
Protein change: p.Arg77Gln; replaces arginine 77 with glutamine.
Molecular consequence: missense variant.
Genome position (GRCh38, 1-based): chr5:149,047,911, C>T on the plus strand (G>A on the coding strand, the complement: SH3TC2 is on the minus strand). VCF-style: chr5-149047911-C-T. GRCh37 (hg19) VCF-style: chr5-148427474-C-T.
Other names: p.Arg77Gln; short protein forms R77Q.
Identifiers: ClinVar variation 935115 (VCV000935115.12), dbSNP rs756666549, ClinGen allele CA3499592.